The following is an entry in ClinVar:

ClinVar aggregate classification (germline): Uncertain significance (1 of 4 stars; one submission).

Conditions:
Singleton-Merten syndrome 1 (SGMRT1). Also called: Widened medullary cavities of bone, aortic calcification, abnormal dentition, and muscular weakness; Syndrome of widened medullary cavities of the metacarpals and phalanges, aortic calcification and abnormal dentition. Identifiers: Orphanet 85191, MedGen C4225427, MONDO:0024535, OMIM 182250.
Aicardi-Goutieres syndrome 7 (AGS7). Identifiers: Orphanet 51, MedGen C3888244, MONDO:0014367, OMIM 615846.

Submission:

Labcorp Genetics (formerly Invitae), Labcorp
Classification: Uncertain significance for Aicardi-Goutieres syndrome 7; Singleton-Merten syndrome 1. Last evaluated: 2024-02-17. Review status: criteria provided, single submitter. Criteria: Invitae Variant Classification Sherloc (09022015). Collection method: clinical testing. Allele origin: germline.
Comment: This sequence change replaces alanine, which is neutral and non-polar, with valine, which is neutral and non-polar, at codon 92 of the IFIH1 protein (p.Ala92Val). This variant is not present in population databases (gnomAD no frequency). This variant has not been reported in the literature in individuals affected with IFIH1-related conditions. ClinVar contains an entry for this variant (Variation ID: 1410139). Advanced modeling of protein sequence and biophysical properties (such as structural, functional, and spatial information, amino acid conservation, physicochemical variation, residue mobility, and thermodynamic stability) has been performed at Invitae for this missense variant, however the output from this modeling did not meet the statistical confidence thresholds required to predict the impact of this variant on IFIH1 protein function. In summary, the available evidence is currently insufficient to determine the role of this variant in disease. Therefore, it has been classified as a Variant of Uncertain Significance.

NM_022168.4(IFIH1):c.275C>T (p.Ala92Val)

Gene: IFIH1 (interferon induced with helicase C domain 1; minus strand). Cytogenetic location: 2q24.2.
Variant type: single nucleotide variant.
Coding change: c.275C>T on transcript NM_022168.4 (MANE Select); coding-DNA position 275, C replaced by T.
Protein change: p.Ala92Val; replaces alanine 92 with valine.
Molecular consequence: missense variant.
Genome position (GRCh38, 1-based): chr2:162,318,033, G>A on the plus strand (C>T on the coding strand, the complement: IFIH1 is on the minus strand). VCF-style: chr2-162318033-G-A. GRCh37 (hg19) VCF-style: chr2-163174543-G-A.
Other names: short protein forms A92V.
Identifiers: ClinVar variation 1410139 (VCV001410139.6), dbSNP rs2105238199, ClinGen allele CA349013710.